The following is an entry in ClinVar:

NM_001844.5(COL2A1):c.2301+4A>T

Gene: COL2A1 (collagen type II alpha 1 chain; minus strand). Cytogenetic location: 12q13.11.
Variant type: single nucleotide variant.
Coding change: c.2301+4A>T on transcript NM_001844.5 (MANE Select); 4 bases into the intron after coding-DNA position 2301, A replaced by T.
Molecular consequence: intron variant.
Genome position (GRCh38, 1-based): chr12:47,982,498, T>A on the plus strand (A>T on the coding strand, the complement: COL2A1 is on the minus strand). VCF-style: chr12-47982498-T-A. GRCh37 (hg19) VCF-style: chr12-48376281-T-A.
Other names: c.2094+4A>T (NM_033150.3).
Identifiers: ClinVar variation 1930130 (VCV001930130.5), dbSNP rs766483608, ClinGen allele CA6535163.

ClinVar aggregate classification (germline): Uncertain significance (1 of 4 stars; one submission).

Allele frequency attached by ClinVar (database versions not stated): ExAC 0.00001.
gnomAD v4.1: 11 of 1,611,024 alleles (0.00068%); highest among the groups gnomAD compares: African/African-American, 0.008%; no homozygotes.

Submission:

Labcorp Genetics (formerly Invitae), Labcorp
Classification: Uncertain significance. Last evaluated: 2023-08-04. Review status: criteria provided, single submitter. Criteria: Invitae Variant Classification Sherloc (09022015). Collection method: clinical testing. Allele origin: germline.
Comment: This sequence change falls in intron 34 of the COL2A1 gene. It does not directly change the encoded amino acid sequence of the COL2A1 protein. It affects a nucleotide within the consensus splice site. In summary, the available evidence is currently insufficient to determine the role of this variant in disease. Therefore, it has been classified as a Variant of Uncertain Significance. Variants that disrupt the consensus splice site are a relatively common cause of aberrant splicing (PMID: 17576681, 9536098). Algorithms developed to predict the effect of sequence changes on RNA splicing suggest that this variant is not likely to affect RNA splicing. ClinVar contains an entry for this variant (Variation ID: 1930130). This variant has not been reported in the literature in individuals affected with COL2A1-related conditions. This variant is present in population databases (rs766483608, gnomAD 0.007%).

Literature cited by the submitters: PubMed 17576681; PubMed 9536098.